The following is an entry in ClinVar:

ClinVar aggregate classification (germline): Uncertain significance (1 of 4 stars; one submission).

Conditions:
Hereditary cancer-predisposing syndrome. Also called: Neoplastic Syndromes, Hereditary; Tumor predisposition; Hereditary Cancer Syndrome; Hereditary neoplastic syndrome. Identifiers: Orphanet 140162, MedGen C0027672, MeSH D009386, MONDO:0015356.

Submission:

Ambry Genetics
Classification: Uncertain significance for Hereditary cancer-predisposing syndrome. Last evaluated: 2015-09-27. Review status: criteria provided, single submitter. Criteria: Ambry Autosomal Dominant and X-Linked criteria (10/2015). Collection method: clinical testing. Allele origin: germline. Observed: 1 variant allele.
Comment: The p.D374V variant (also known as c.1121A>T), located in coding exon 10 of the NF1 gene, results from an A to T substitution at nucleotide position 1121. The aspartic acid at codon 374 is replaced by valine, an amino acid with highly dissimilar properties. This variant was not reported in population based cohorts in the following databases: Database of Single Nucleotide Polymorphisms (dbSNP), NHLBI Exome Sequencing Project (ESP), and 1000 Genomes Project. In the ESP, this variant was not observed in 6503 samples (13006 alleles) with coverage at this position. To date, this alteration has been detected with an allele frequency of approximately 0.002% (greater than 55000alleles tested) in our clinical cohort.This amino acid position is well conserved in available vertebrate species. In addition, the in silico prediction for this alteration is inconclusive.Since supporting evidence is limited at this time, the clinical significance of p.D374Vremains unclear.

NM_001042492.3(NF1):c.1121A>T (p.Asp374Val)

Gene: NF1 (neurofibromin 1; plus strand). Cytogenetic location: 17q11.2.
Variant type: single nucleotide variant.
Coding change: c.1121A>T on transcript NM_001042492.3 (MANE Select); coding-DNA position 1121, A replaced by T.
Protein change: p.Asp374Val; replaces aspartic acid 374 with valine.
Molecular consequence: missense variant.
Genome position (GRCh38, 1-based): chr17:31,201,095, A>T. VCF-style: chr17-31201095-A-T. GRCh37 (hg19) VCF-style: chr17-29528113-A-T.
Other names: c.1121A>T, p.Asp374Val (NM_000267.4, NM_001128147.3); short protein forms D374V.
Identifiers: ClinVar variation 234111 (VCV000234111.3), dbSNP rs876660856, ClinGen allele CA10580213.